The following is an entry in ClinVar:

ClinVar aggregate classification (germline): Uncertain significance (1 of 4 stars; one submission).

Submission:

Women's Health and Genetics/Laboratory Corporation of America, LabCorp
Classification: Uncertain significance. Last evaluated: 2025-01-08. Review status: criteria provided, single submitter. Criteria: LabCorp Variant Classification Summary - May 2015. Collection method: clinical testing. Allele origin: germline.
Comment: Variant summary: TRAPPC9 c.2831A>G (p.Lys944Arg) results in a conservative amino acid change in the encoded protein sequence. Four of five in-silico tools predict a benign effect of the variant on protein function. The variant was absent in 251352 control chromosomes. The available data on variant occurrences in the general population are insufficient to allow any conclusion about variant significance. To our knowledge, no occurrence of c.2831A>G in individuals affected with Intellectual Disability, Autosomal Recessive 13 and no experimental evidence demonstrating its impact on protein function have been reported. No submitters have cited clinical-significance assessments for this variant to ClinVar. Based on the evidence outlined above, the variant was classified as uncertain significance.

NM_001160372.4(TRAPPC9):c.2831A>G (p.Lys944Arg)

Gene: TRAPPC9 (trafficking protein particle complex subunit 9; minus strand). Cytogenetic location: 8q24.3.
Variant type: single nucleotide variant.
Coding change: c.2831A>G on transcript NM_001160372.4 (MANE Select); coding-DNA position 2831, A replaced by G.
Protein change: p.Lys944Arg; replaces lysine 944 with arginine.
Molecular consequence: missense variant. On other transcripts: non-coding transcript variant (1).
Genome position (GRCh38, 1-based): chr8:139,910,280, T>C on the plus strand (A>G on the coding strand, the complement: TRAPPC9 is on the minus strand). VCF-style: chr8-139910280-T-C. GRCh37 (hg19) VCF-style: chr8-140922524-T-C.
Other names: c.2804A>G, p.Lys935Arg (NM_001321646.2); c.2852A>G, p.Lys951Arg (NM_001374682.1); c.2720A>G, p.Lys907Arg (NM_001374683.1); c.2687A>G, p.Lys896Arg (NM_001374684.1); c.2831A>G, p.Lys944Arg (NM_031466.8); short protein forms K896R, K907R, K935R, K944R, K951R.
Identifiers: ClinVar variation 3769198 (VCV003769198.2).